The following is an entry in ClinVar:

NM_000038.6(APC):c.1549-10dup

Gene: APC (APC regulator of Wnt signaling pathway; plus strand). Cytogenetic location: 5q22.2.
Variant type: Duplication.
Coding change: c.1549-10dup on transcript NM_000038.6 (MANE Select); 10 bases into the intron before coding-DNA position 1549, one base duplicated (T; older notation c.1549-10dupT).
Molecular consequence: intron variant.
Genome position (GRCh38, 1-based): chr5:112,827,919, T duplicated; the last of 3 consecutive T bases (chr5:112,827,917-112,827,919); duplicating any one gives the same sequence. VCF-style (leftmost placement, unchanged base first): chr5-112827916-A-AT. GRCh37 (hg19) VCF-style: chr5-112163613-A-AT.
Other names: c.700-10dup (NM_001407470.1, NM_001354906.2); c.397-10dup (NM_001407472.1, NM_001407471.1); c.1603-10dup (NM_001407447.1, NM_001407448.1, NM_001407449.1 and 1 more transcripts); c.1549-10dup (NM_001354895.2, NM_001407450.1, NM_001127510.3); c.1300-10dup (NM_001407456.1, NM_001407457.1, NM_001407455.1 and 1 more transcripts); c.1246-10dup (NM_001407460.1, NM_001407458.1, NM_001407459.1 and 1 more transcripts); c.1519-10dup (NM_001407452.1); c.1162-10dup (NM_001407469.1, NM_001407467.1); and 11 more.
Identifiers: ClinVar variation 3148566 (VCV003148566.1), dbSNP rs2533217220, ClinGen allele CA2825001351.

ClinVar aggregate classification (germline): Likely benign (1 of 4 stars; one submission).

Conditions:
Familial adenomatous polyposis 1 (FAP1). Also called: POLYPOSIS, ADENOMATOUS INTESTINAL; FAMILIAL ADENOMATOUS POLYPOSIS 1, ATTENUATED. Identifiers: MedGen C2713442, MONDO:0021056, OMIM 175100. Disease mechanism: loss of function.

Submission:

Myriad Genetics, Inc.
Classification: Likely benign for Familial adenomatous polyposis 1. Last evaluated: 2024-03-07. Review status: criteria provided, single submitter. Criteria: Myriad Autosomal Dominant, Autosomal Recessive and X-Linked Classification Criteria (2023). Collection method: clinical testing. Allele origin: unknown.
Comment: This variant is considered likely benign. This variant is intronic and is not expected to impact mRNA splicing.